The following is an entry in ClinVar:

NM_001159699.2(FHL1):c.258G>C (p.Lys86Asn)

Gene: FHL1 (four and a half LIM domains 1; plus strand). Cytogenetic location: Xq26.3.
Variant type: single nucleotide variant.
Coding change: c.258G>C on transcript NM_001159699.2 (MANE Select); coding-DNA position 258, G replaced by C.
Protein change: p.Lys86Asn; replaces lysine 86 with asparagine.
Molecular consequence: missense variant. On other transcripts: non-coding transcript variant (1).
Genome position (GRCh38, 1-based): chrX:136,207,069, G>C. VCF-style: chrX-136207069-G-C. GRCh37 (hg19) VCF-style: chrX-135289228-G-C.
Other names: c.210G>C, p.Lys70Asn (NM_001159700.2, NM_001159702.3, NM_001159703.2 and 9 more transcripts); c.297G>C, p.Lys99Asn (NM_001159701.2); c.258G>C, p.Lys86Asn (NM_001330659.2); short protein forms K70N, K86N, K99N.
Identifiers: ClinVar variation 1001696 (VCV001001696.8), dbSNP rs2073861633, ClinGen allele CA414608001.

ClinVar aggregate classification (germline): Uncertain significance (1 of 4 stars; one submission).

Conditions:
X-linked myopathy with postural muscle atrophy. Also called: FHL1-Related Emery-Dreifuss Muscular Dystrophy, X-Linked. Identifiers: Orphanet 178461, MedGen C2678055, MONDO:0010401, OMIM 300696.

Submission:

Labcorp Genetics (formerly Invitae), Labcorp
Classification: Uncertain significance for X-linked myopathy with postural muscle atrophy. Last evaluated: 2020-04-23. Review status: criteria provided, single submitter. Criteria: Invitae Variant Classification Sherloc (09022015). Collection method: clinical testing. Allele origin: germline.
Comment: In summary, the available evidence is currently insufficient to determine the role of this variant in disease. Therefore, it has been classified as a Variant of Uncertain Significance. Algorithms developed to predict the effect of missense changes on protein structure and function (SIFT, PolyPhen-2, Align-GVGD) all suggest that this variant is likely to be disruptive, but these predictions have not been confirmed by published functional studies and their clinical significance is uncertain. This variant has not been reported in the literature in individuals with FHL1-related conditions. This variant is not present in population databases (ExAC no frequency). This sequence change replaces lysine with asparagine at codon 70 of the FHL1 protein (p.Lys70Asn). The lysine residue is highly conserved and there is a moderate physicochemical difference between lysine and asparagine.